The following is an entry in ClinVar:

NM_000465.4(BARD1):c.898C>T (p.Pro300Ser)

Gene: BARD1 (BRCA1 associated RING domain 1; minus strand). Cytogenetic location: 2q35.
Variant type: single nucleotide variant.
Coding change: c.898C>T on transcript NM_000465.4 (MANE Select); coding-DNA position 898, C replaced by T.
Protein change: p.Pro300Ser; replaces proline 300 with serine.
Molecular consequence: missense variant. On other transcripts: non-coding transcript variant (2), intron variant (3).
Genome position (GRCh38, 1-based): chr2:214,780,976, G>A on the plus strand (C>T on the coding strand, the complement: BARD1 is on the minus strand). VCF-style: chr2-214780976-G-A. GRCh37 (hg19) VCF-style: chr2-215645700-G-A.
Other names: c.841C>T, p.Pro281Ser (NM_001282543.2); c.159-28421C>T (NM_001282548.2); c.215+16085C>T (NM_001282545.2); c.364+11321C>T (NM_001282549.2); short protein forms P300S, P281S.
Identifiers: ClinVar variation 418058 (VCV000418058.4), dbSNP rs1064793050, ClinGen allele CA16617448.

ClinVar aggregate classification (germline): Uncertain significance. Review status: criteria provided, multiple submitters, no conflicts (2 of 4 stars). 3 submissions from 3 submitters: Uncertain significance (3). Last evaluated 2026-05-27.

Conditions:
Hereditary cancer-predisposing syndrome. Also called: Hereditary Cancer Syndrome; Tumor predisposition; Hereditary neoplastic syndrome; Neoplastic Syndromes, Hereditary. Identifiers: Orphanet 140162, MedGen C0027672, MeSH D009386, MONDO:0015356.
Familial cancer of breast. Also called: Hereditary breast cancer; BREAST CANCER, FAMILIAL; hereditary breast carcinoma. Identifiers: Orphanet 227535, MedGen C0346153, MONDO:0016419, OMIM 114480. Disease mechanism: loss of function.

Submissions (3):

Ambry Genetics
Classification: Uncertain significance for Hereditary cancer-predisposing syndrome. Last evaluated: 2026-05-27. Review status: criteria provided, single submitter. Criteria: Ambry Variant Classification Scheme 2023. Collection method: clinical testing. Allele origin: germline.
Comment: The p.P300S variant (also known as c.898C>T), located in coding exon 4 of the BARD1 gene, results from a C to T substitution at nucleotide position 898. The proline at codon 300 is replaced by serine, an amino acid with similar properties. This amino acid position is conserved. In addition, this alteration is predicted to be tolerated by in silico analysis. Based on the available evidence, the clinical significance of this variant remains unclear.

Labcorp Genetics (formerly Invitae), Labcorp
Classification: Uncertain significance for Familial cancer of breast. Last evaluated: 2025-12-13. Review status: criteria provided, single submitter. Criteria: Invitae Variant Classification Sherloc (09022015). Collection method: clinical testing. Allele origin: germline.
Comment: This sequence change replaces proline, which is neutral and non-polar, with serine, which is neutral and polar, at codon 300 of the BARD1 protein (p.Pro300Ser). This variant is not present in population databases (gnomAD no frequency). This variant has not been reported in the literature in individuals affected with BARD1-related conditions. ClinVar contains an entry for this variant (Variation ID: 418058). An algorithm developed to predict the effect of missense changes on protein structure and function outputs the following: PolyPhen-2: "Benign". The serine amino acid residue is found in multiple mammalian species, which suggests that this missense change does not adversely affect protein function. In summary, the available evidence is currently insufficient to determine the role of this variant in disease. Therefore, it has been classified as a Variant of Uncertain Significance.

GeneDx
Classification: Uncertain significance. Last evaluated: 2015-01-26. Review status: criteria provided, single submitter. Criteria: GeneDx Variant Classification (06012015). Collection method: clinical testing. Allele origin: germline. Affected: yes.
Comment: This variant is denoted BARD1 c.898C>T at the cDNA level, p.Pro300Ser (P300S) at the protein level, and results in the change of a Proline to a Serine (CCT>TCT). This variant has not, to our knowledge, been published in the literature as pathogenic or benign. BARD1 Pro300Ser was not observed in approximately 6,500 individuals of European and African American ancestry in the NHLBI Exome Sequencing Project, indicating it is not a common benign variant in these populations. Since Proline and Serine differ in polarity, charge, size or other properties, this is considered a non-conservative amino acid substitution. BARD1 Pro300Ser occurs at a position that is moderately conserved across species and is not located in a known functional domain (UniProt). In silico analyses predict that this variant is unlikely to alter protein structure or function. Based on currently available information, it is unclear whether BARD1 Pro300Ser is pathogenic or benign. We consider it to be a variant of uncertain significance.